The following is an entry in ClinVar:

NM_002103.5(GYS1):c.941+164A>G

Gene: GYS1 (glycogen synthase 1; minus strand). Cytogenetic location: 19q13.33.
Variant type: single nucleotide variant.
Coding change: c.941+164A>G on transcript NM_002103.5 (MANE Select); 164 bases into the intron after coding-DNA position 941, A replaced by G.
Molecular consequence: intron variant.
Genome position (GRCh38, 1-based): chr19:48,982,556, T>C on the plus strand (A>G on the coding strand, the complement: GYS1 is on the minus strand). VCF-style: chr19-48982556-T-C. GRCh37 (hg19) VCF-style: chr19-49485813-T-C.
Other names: c.749+164A>G (NM_001161587.2).
Identifiers: ClinVar variation 679969 (VCV000679969.1), dbSNP rs73577750, ClinGen allele CA309396087.

ClinVar aggregate classification (germline): Likely benign (1 of 4 stars; one submission).

Allele frequency attached by ClinVar (database versions not stated): gnomAD 0.01241 and 0.01324; TOPMed 0.01392; 1000 Genomes Project 0.01418; 1000 Genomes Project 30x 0.01437.
gnomAD v4.1: 1,871 of 152,234 alleles (1.2%); highest among the groups gnomAD compares: African/African-American, 4.3%; 34 homozygotes.

Submission:

GeneDx
Classification: Likely benign. Last evaluated: 2018-06-14. Review status: criteria provided, single submitter. Criteria: GeneDx Variant Classification (06012015). Collection method: clinical testing. Allele origin: germline. Affected: yes.
Comment: This variant is considered likely benign or benign based on one or more of the following criteria: it is a conservative change, it occurs at a poorly conserved position in the protein, it is predicted to be benign by multiple in silico algorithms, and/or has population frequency not consistent with disease.